The following is an entry in ClinVar:

NM_182916.3(TRNT1):c.264A>G (p.Gln88=)

Gene: TRNT1 (tRNA nucleotidyl transferase 1; plus strand). Cytogenetic location: 3p26.2.
Variant type: single nucleotide variant.
Coding change: c.264A>G on transcript NM_182916.3 (MANE Select); coding-DNA position 264, A replaced by G.
Protein change: p.Gln88=; no amino-acid change (glutamine 88 retained).
Molecular consequence: synonymous variant. On other transcripts: non-coding transcript variant (8).
Genome position (GRCh38, 1-based): chr3:3,137,375, A>G. VCF-style: chr3-3137375-A-G. GRCh37 (hg19) VCF-style: chr3-3179059-A-G.
Other names: c.264A>G, p.Gln88= (NM_001302946.2, NM_001367321.1, NM_001367322.1 and 1 more transcripts).
Identifiers: ClinVar variation 1041772 (VCV001041772.1), dbSNP rs1705392118, ClinGen allele CA432110702.

ClinVar aggregate classification (germline): Uncertain significance (1 of 4 stars; one submission).

Conditions:
Congenital sideroblastic anemia-B-cell immunodeficiency-periodic fever-developmental delay syndrome. Also called: Sideroblastic anemia with B-cell immunodeficiency, periodic fevers, and developmental delay. Identifiers: Orphanet 369861, MedGen C4015172, MONDO:0014487, OMIM 616084.

gnomAD v4.1: 3 of 1,613,962 alleles (0.00019%); highest among the groups gnomAD compares: Non-Finnish European, 0.000085%; no homozygotes.

Submission:

Labcorp Genetics (formerly Invitae), Labcorp
Classification: Uncertain significance for Congenital sideroblastic anemia-B-cell immunodeficiency-periodic fever-developmental delay syndrome. Last evaluated: 2020-03-26. Review status: criteria provided, single submitter. Criteria: Invitae Variant Classification Sherloc (09022015). Collection method: clinical testing. Allele origin: germline.
Comment: This sequence change affects codon 88 of the TRNT1 mRNA. It is a 'silent' change, meaning that it does not change the encoded amino acid sequence of the TRNT1 protein. This variant is not present in population databases (ExAC no frequency). This variant has not been reported in the literature in individuals with TRNT1-related conditions. Algorithms developed to predict the effect of sequence changes on RNA splicing suggest that this variant may create or strengthen a splice site, but this prediction has not been confirmed by published transcriptional studies. In summary, the available evidence is currently insufficient to determine the role of this variant in disease. Therefore, it has been classified as a Variant of Uncertain Significance.